The following is an entry in ClinVar:

NM_000551.4(VHL):c.556G>C (p.Glu186Gln)

Genes: VHL (von Hippel-Lindau tumor suppressor; plus strand), LOC107303340 (3p25 von Hippel-Lindau tumor suppressor, E3 ubiquitin protein ligase Alu-mediated recombination region; plus strand). Cytogenetic location: 3p25.3.
Variant type: single nucleotide variant.
Coding change: c.556G>C on transcript NM_000551.4 (MANE Select); coding-DNA position 556, G replaced by C.
Protein change: p.Glu186Gln; replaces glutamic acid 186 with glutamine.
Molecular consequence: missense variant. On other transcripts: 3 prime UTR variant (1).
Genome position (GRCh38, 1-based): chr3:10,149,879, G>C. VCF-style: chr3-10149879-G-C. GRCh37 (hg19) VCF-style: chr3-10191563-G-C.
Other names: c.*110G>C (NM_001354723.2); c.433G>C, p.Glu145Gln (NM_198156.3); short protein forms E145Q, E186Q.
Identifiers: ClinVar variation 1017610 (VCV001017610.9), dbSNP rs367545984, ClinGen allele CA351756383.

ClinVar aggregate classification (germline): Uncertain significance (1 of 4 stars; one submission).

Conditions:
Chuvash polycythemia. Also called: POLYCYTHEMIA, VHL-DEPENDENT. Identifiers: Orphanet 238557, MedGen C1837915, MONDO:0009892, OMIM 263400.
Von Hippel-Lindau syndrome (VHLS). Also called: VHL syndrome; von Hippel–Lindau syndrome; Von Hippel-Lindau. Identifiers: Orphanet 892, MedGen C0019562, MONDO:0008667, OMIM 193300. Disease mechanism: loss of function.

gnomAD v4.1: 1 of 1,614,168 alleles (0.000062%); highest among the groups gnomAD compares: Non-Finnish European, 0.000085%; no homozygotes.

Submission:

Labcorp Genetics (formerly Invitae), Labcorp
Classification: Uncertain significance for Von Hippel-Lindau syndrome; Chuvash polycythemia. Last evaluated: 2020-07-23. Review status: criteria provided, single submitter. Criteria: Invitae Variant Classification Sherloc (09022015). Collection method: clinical testing. Allele origin: germline.
Comment: In summary, the available evidence is currently insufficient to determine the role of this variant in disease. Therefore, it has been classified as a Variant of Uncertain Significance. Advanced modeling of protein sequence and biophysical properties (such as structural, functional, and spatial information, amino acid conservation, physicochemical variation, residue mobility, and thermodynamic stability) performed at Invitae indicates that this missense variant is expected to disrupt VHL protein function. This variant has not been reported in the literature in individuals with VHL-related conditions. This variant is not present in population databases (ExAC no frequency). This sequence change replaces glutamic acid with glutamine at codon 186 of the VHL protein (p.Glu186Gln). The glutamic acid residue is highly conserved and there is a small physicochemical difference between glutamic acid and glutamine.